The following is an entry in ClinVar:

ClinVar aggregate classification (germline): Conflicting classifications of pathogenicity. Review status: criteria provided, conflicting classifications (1 of 4 stars). 5 submissions from 5 submitters: Uncertain significance (2); Likely benign (2). 1 of the submissions does not count toward it. Last evaluated 2026-01-12.

Conditions:
Inborn genetic diseases. Identifiers: MedGen C0950123, MeSH D030342.
PRDM16-related disorder. Also called: PRDM16-related condition.
Left ventricular noncompaction 8 (LVNC8). Identifiers: Orphanet 154, Orphanet 54260, MedGen C3809288, MONDO:0014152, OMIM 615373.

Allele frequency attached by ClinVar (database versions not stated): gnomAD 0.00006; gnomAD exomes 0.00006 and 0.00013; ExAC 0.00009; TOPMed 0.00009.
gnomAD v4.1: 106 of 1,613,782 alleles (0.0066%); highest among the groups gnomAD compares: Non-Finnish European, 0.0058%; no homozygotes.

Submissions (5):

Labcorp Genetics (formerly Invitae), Labcorp
Classification: Likely benign for Left ventricular noncompaction 8. Last evaluated: 2026-01-12. Review status: criteria provided, single submitter. Criteria: Invitae Variant Classification Sherloc (09022015). Collection method: clinical testing. Allele origin: germline.

Ambry Genetics
Classification: Uncertain significance for Inborn genetic diseases. Last evaluated: 2025-06-29. Review status: criteria provided, single submitter. Criteria: Ambry Variant Classification Scheme 2023. Collection method: clinical testing. Allele origin: germline.

Blueprint Genetics
Classification: Likely benign. Last evaluated: 2024-09-19. Review status: criteria provided, single submitter. Criteria: ACMG Guidelines, 2015. Collection method: clinical testing. Allele origin: germline.

Revvity Omics, Revvity
Classification: Uncertain significance for Left ventricular noncompaction 8. Last evaluated: 2023-11-13. Review status: criteria provided, single submitter. Criteria: ACMG Guidelines, 2015. Collection method: clinical testing. Allele origin: germline.

PreventionGenetics, part of Exact Sciences
Classification: Likely benign for PRDM16-related condition. Last evaluated: 2024-01-10. Review status: no assertion criteria provided. Collection method: clinical testing. Allele origin: germline. Not counted in ClinVar's aggregate classification.
Comment: This variant is classified as likely benign based on ACMG/AMP sequence variant interpretation guidelines (Richards et al. 2015 PMID: 25741868, with internal and published modifications).

NM_022114.4(PRDM16):c.3199G>A (p.Glu1067Lys)

Gene: PRDM16 (PR/SET domain 16; plus strand). Cytogenetic location: 1p36.32.
Variant type: single nucleotide variant.
Coding change: c.3199G>A on transcript NM_022114.4 (MANE Select); coding-DNA position 3199, G replaced by A.
Protein change: p.Glu1067Lys; replaces glutamic acid 1067 with lysine.
Molecular consequence: missense variant.
Genome position (GRCh38, 1-based): chr1:3,426,140, G>A. VCF-style: chr1-3426140-G-A. GRCh37 (hg19) VCF-style: chr1-3342704-G-A.
Other names: c.3199G>A, p.Glu1067Lys (NM_199454.3); short protein forms E1067K.
Identifiers: ClinVar variation 541380 (VCV000541380.17), dbSNP rs200946004, ClinGen allele CA544772.